The following is an entry in ClinVar:

NM_000369.5(TSHR):c.1270G>A (p.Val424Ile)

Genes: TSHR-AS1 (TSHR antisense RNA 1; minus strand), TSHR (thyroid stimulating hormone receptor; plus strand). Cytogenetic location: 14q31.1.
Variant type: single nucleotide variant.
Coding change: c.1270G>A on transcript NM_000369.5 (MANE Select); coding-DNA position 1270, G replaced by A.
Protein change: p.Val424Ile; replaces valine 424 with isoleucine.
Molecular consequence: missense variant.
Genome position (GRCh38, 1-based): chr14:81,143,328, G>A. VCF-style: chr14-81143328-G-A. GRCh37 (hg19) VCF-style: chr14-81609672-G-A.
Other names: c.1270G>A (NM_000369.4); short protein forms V424I.
Identifiers: ClinVar variation 135398 (VCV000135398.8), dbSNP rs587778742, ClinGen allele CA162643.

ClinVar aggregate classification (germline): Uncertain significance. Review status: criteria provided, multiple submitters, no conflicts (2 of 4 stars). 5 submissions from 4 submitters: Uncertain significance (4). 1 of the submissions does not count toward it. Last evaluated 2024-03-18.

Conditions:
Hypothyroidism due to TSH receptor mutations. Also called: Hypothyroidism, congenital, nongoitrous, 1; HYPOTHYROIDISM DUE TO UNRESPONSIVENESS TO THYROTROPIN; HYPOTHYROIDISM, CONGENITAL, DUE TO TSH RESISTANCE; HYPOTHYROIDISM, NONAUTOIMMUNE; THYROID-STIMULATING HORMONE, RESISTANCE TO; TSH RESISTANCE. Identifiers: Orphanet 90673, MedGen C3493776, MONDO:0010142, OMIM 275200.
Familial hyperthyroidism due to mutations in TSH receptor. Also called: HYPERTHYROIDISM, CONGENITAL NONAUTOIMMUNE; HYPERTHYROIDISM, NONAUTOIMMUNE, AUTOSOMAL DOMINANT; TOXIC THYROID HYPERPLASIA, AUTOSOMAL DOMINANT. Identifiers: Orphanet 424, MedGen C1836706, MONDO:0012203, OMIM 609152.

gnomAD v4.1: 19 of 1,614,068 alleles (0.0012%); highest among the groups gnomAD compares: South Asian, 0.0088%; no homozygotes.

Submissions (5):

Women's Health and Genetics/Laboratory Corporation of America, LabCorp
Classification: Uncertain significance. Last evaluated: 2024-03-18. Review status: criteria provided, single submitter. Criteria: LabCorp Variant Classification Summary - May 2015. Collection method: clinical testing. Allele origin: germline.
Comment: Variant summary: TSHR c.1270G>A (p.Val424Ile) results in a conservative amino acid change in the encoded protein sequence. Three of five in-silico tools predict a benign effect of the variant on protein function. The variant allele was found at a frequency of 8e-06 in 251494 control chromosomes. To our knowledge, no occurrence of c.1270G>A in individuals affected with Hypothyroidism Due To TSH Receptor Mutations has been reported. At least one publication reports experimental evidence evaluating an impact on protein function (Haas_2011). The most pronounced variant effect results in 30%-50% of basal cAMP production compared to wild-type. The following publication has been ascertained in the context of this evaluation (PMID: 20652618). ClinVar contains an entry for this variant (Variation ID: 135398). Based on the evidence outlined above, the variant was classified as VUS-possibly pathogenic.

Baylor Genetics
Classification: Uncertain significance for Hypothyroidism due to TSH receptor mutations. Last evaluated: 2023-03-08. Review status: criteria provided, single submitter. Criteria: ACMG Guidelines, 2015. Collection method: clinical testing. Allele origin: unknown.

Illumina Laboratory Services, Illumina
Classification: Uncertain significance for Familial hyperthyroidism due to mutations in TSH receptor. Last evaluated: 2017-04-27. Review status: criteria provided, single submitter. Criteria: ICSL Variant Classification Criteria 13 December 2019. Collection method: clinical testing. Allele origin: germline.

Illumina Laboratory Services, Illumina
Classification: Uncertain significance for Hypothyroidism due to TSH receptor mutations. Last evaluated: 2017-04-27. Review status: criteria provided, single submitter. Criteria: ICSL Variant Classification Criteria 13 December 2019. Collection method: clinical testing. Allele origin: germline.
Comment: This variant was observed as part of a predisposition screen in an ostensibly healthy population. A literature search was performed for the gene, cDNA change, and amino acid change (where applicable). Publications were found based on this search. However, the evidence from the literature, in combination with allele frequency data from public databases where available, was not sufficient to rule this variant in or out of causing disease. Therefore, this variant is classified as a variant of unknown significance.

ITMI
No classification provided. Condition: AllHighlyPenetrant. Last evaluated: 2013-09-19. Review status: no classification provided. Collection method: reference population. Allele origin: germline. Not counted in ClinVar's aggregate classification.
Comment: Please see associated publication for description of ethnicities

Literature cited by the submitters: PubMed 20652618 (cited by Women's Health and Genetics/Laboratory Corporation of America, LabCorp and Illumina Laboratory Services, Illumina); PubMed 23356285 (cited by Illumina Laboratory Services, Illumina); PubMed 24728327 (cited by ITMI).